The following is an entry in ClinVar:

NM_021222.3(PRUNE1):c.503C>T (p.Thr168Ile)

Gene: PRUNE1 (prune exopolyphosphatase 1; plus strand). Cytogenetic location: 1q21.3.
Variant type: single nucleotide variant.
Coding change: c.503C>T on transcript NM_021222.3 (MANE Select); coding-DNA position 503, C replaced by T.
Protein change: p.Thr168Ile; replaces threonine 168 with isoleucine.
Molecular consequence: missense variant. On other transcripts: 5 prime UTR variant (1), intron variant (1).
Genome position (GRCh38, 1-based): chr1:151,024,778, C>T. VCF-style: chr1-151024778-C-T. GRCh37 (hg19) VCF-style: chr1-150997254-C-T.
Other names: c.-44C>T (NM_001303229.2); c.503C>T, p.Thr168Ile (NM_001303242.2); c.77-2455C>T (NM_001303243.2); short protein forms T168I.
Identifiers: ClinVar variation 1717013 (VCV001717013.5), dbSNP rs2528381637, ClinGen allele CA341905098.

ClinVar aggregate classification (germline): Uncertain significance (1 of 4 stars; one submission).

Submission:

Labcorp Genetics (formerly Invitae), Labcorp
Classification: Uncertain significance. Last evaluated: 2023-08-09. Review status: criteria provided, single submitter. Criteria: Invitae Variant Classification Sherloc (09022015). Collection method: clinical testing. Allele origin: germline.
Comment: In summary, the available evidence is currently insufficient to determine the role of this variant in disease. Therefore, it has been classified as a Variant of Uncertain Significance. Advanced modeling of protein sequence and biophysical properties (such as structural, functional, and spatial information, amino acid conservation, physicochemical variation, residue mobility, and thermodynamic stability) performed at Invitae indicates that this missense variant is not expected to disrupt PRUNE1 protein function. ClinVar contains an entry for this variant (Variation ID: 1717013). This variant has not been reported in the literature in individuals affected with PRUNE1-related conditions. This variant is not present in population databases (gnomAD no frequency). This sequence change replaces threonine, which is neutral and polar, with isoleucine, which is neutral and non-polar, at codon 168 of the PRUNE1 protein (p.Thr168Ile).